The following is an entry in ClinVar:

ClinVar aggregate classification (germline): Likely benign (0 of 4 stars; one submission).

Conditions:
BBS1-related disorder. Also called: BBS1-related condition.

gnomAD v4.1: 3 of 1,613,938 alleles (0.00019%); highest among the groups gnomAD compares: Non-Finnish European, 0.00025%; no homozygotes.

Submission:

PreventionGenetics, part of Exact Sciences
Classification: Likely benign for BBS1-related condition. Last evaluated: 2023-02-10. Review status: no assertion criteria provided. Collection method: clinical testing. Allele origin: germline.
Comment: This variant is classified as likely benign based on ACMG/AMP sequence variant interpretation guidelines (Richards et al. 2015 PMID: 25741868, with internal and published modifications).

NM_024649.5(BBS1):c.125-3C>T

Gene: BBS1 (Bardet-Biedl syndrome 1; plus strand). Cytogenetic location: 11q13.2.
Variant type: single nucleotide variant.
Coding change: c.125-3C>T on transcript NM_024649.5 (MANE Select); 3 bases into the intron before coding-DNA position 125, C replaced by T.
Molecular consequence: intron variant.
Genome position (GRCh38, 1-based): chr11:66,511,202, C>T. VCF-style: chr11-66511202-C-T. GRCh37 (hg19) VCF-style: chr11-66278673-C-T.
Identifiers: ClinVar variation 3356577 (VCV003356577.1).